The following is an entry in ClinVar:

ClinVar aggregate classification (germline): Uncertain significance (1 of 4 stars; one submission).

Submission:

Labcorp Genetics (formerly Invitae), Labcorp
Classification: Uncertain significance. Last evaluated: 2024-06-11. Review status: criteria provided, single submitter. Criteria: Invitae Variant Classification Sherloc (09022015). Collection method: clinical testing. Allele origin: germline.
Comment: This sequence change replaces proline, which is neutral and non-polar, with serine, which is neutral and polar, at codon 231 of the SNRPB protein (p.Pro231Ser). This variant is present in population databases (no rsID available, gnomAD 0.007%). This variant has not been reported in the literature in individuals affected with SNRPB-related conditions. Experimental studies and prediction algorithms are not available or were not evaluated, and the functional significance of this variant is currently unknown. In summary, the available evidence is currently insufficient to determine the role of this variant in disease. Therefore, it has been classified as a Variant of Uncertain Significance.

NM_003091.4(SNRPB):c.*141C>T

Gene: SNRPB (small nuclear ribonucleoprotein polypeptides B and B1; minus strand). Cytogenetic location: 20p13.
Variant type: single nucleotide variant.
Coding change: c.*141C>T on transcript NM_003091.4 (MANE Select); 141 bases downstream of the stop codon, C replaced by T.
Molecular consequence: 3 prime UTR variant. On other transcripts: missense variant (1).
Genome position (GRCh38, 1-based): chr20:2,461,788, G>A on the plus strand (C>T on the coding strand, the complement: SNRPB is on the minus strand). VCF-style: chr20-2461788-G-A. GRCh37 (hg19) VCF-style: chr20-2442434-G-A.
Other names: c.691C>T, p.Pro231Ser (NM_198216.2); short protein forms P231S.
Identifiers: ClinVar variation 3617170 (VCV003617170.2).